The following is an entry in ClinVar:

NM_003091.4(SNRPB):c.*144C>A

Gene: SNRPB (small nuclear ribonucleoprotein polypeptides B and B1; minus strand). Cytogenetic location: 20p13.
Variant type: single nucleotide variant.
Coding change: c.*144C>A on transcript NM_003091.4 (MANE Select); 144 bases downstream of the stop codon, C replaced by A.
Molecular consequence: 3 prime UTR variant. On other transcripts: missense variant (1).
Genome position (GRCh38, 1-based): chr20:2,461,785, G>T on the plus strand (C>A on the coding strand, the complement: SNRPB is on the minus strand). VCF-style: chr20-2461785-G-T. GRCh37 (hg19) VCF-style: chr20-2442431-G-T.
Other names: c.694C>A, p.Pro232Thr (NM_198216.2); short protein forms P232T.
Identifiers: ClinVar variation 2266477 (VCV002266477.6), dbSNP rs770663780, ClinGen allele CA408011886.

ClinVar aggregate classification (germline): Uncertain significance. Review status: criteria provided, multiple submitters, no conflicts (2 of 4 stars). 2 submissions from 2 submitters: Uncertain significance (2). Last evaluated 2025-12-02.

Conditions:
Inborn genetic diseases. Identifiers: MedGen C0950123, MeSH D030342.

gnomAD v4.1: 33 of 1,612,602 alleles (0.002%); highest among the groups gnomAD compares: Admixed American, 0.0084%; no homozygotes.

Submissions (2):

Ambry Genetics
Classification: Uncertain significance for Inborn genetic diseases. Last evaluated: 2025-12-02. Review status: criteria provided, single submitter. Criteria: Ambry Variant Classification Scheme 2023. Collection method: clinical testing. Allele origin: germline.

Labcorp Genetics (formerly Invitae), Labcorp
Classification: Uncertain significance. Last evaluated: 2024-01-12. Review status: criteria provided, single submitter. Criteria: Invitae Variant Classification Sherloc (09022015). Collection method: clinical testing. Allele origin: germline.
Comment: This sequence change replaces proline, which is neutral and non-polar, with threonine, which is neutral and polar, at codon 232 of the SNRPB protein (p.Pro232Thr). This variant is present in population databases (no rsID available, gnomAD 0.003%). This variant has not been reported in the literature in individuals affected with SNRPB-related conditions. ClinVar contains an entry for this variant (Variation ID: 2266477). Experimental studies and prediction algorithms are not available or were not evaluated, and the functional significance of this variant is currently unknown. In summary, the available evidence is currently insufficient to determine the role of this variant in disease. Therefore, it has been classified as a Variant of Uncertain Significance.